The following is an entry in ClinVar:

ClinVar aggregate classification (germline): Uncertain significance. Review status: criteria provided, multiple submitters, no conflicts (2 of 4 stars). 3 submissions from 3 submitters: Uncertain significance (3). Last evaluated 2024-10-23.

Conditions:
ATM-related cancer predisposition. Also called: ATM-related cancer susceptibility. Identifiers: MedGen CN377759, MONDO:0700270.
Ataxia-telangiectasia syndrome (AT). Also called: Ataxia-telangiectasia, complementation group E; Ataxia telangiectasia (A-T); LOUIS-BAR SYNDROME; Cerebello-oculocutaneous telangiectasia; Immunodeficiency with ataxia telangiectasia; Ataxia-telangiectasia, complementation group D. Identifiers: Orphanet 100, MedGen C0004135, MONDO:0008840, OMIM 208900.
Hereditary cancer-predisposing syndrome. Also called: Tumor predisposition; Hereditary Cancer Syndrome; Hereditary neoplastic syndrome; Neoplastic Syndromes, Hereditary. Identifiers: Orphanet 140162, MedGen C0027672, MeSH D009386, MONDO:0015356.

Allele frequency attached by ClinVar (database versions not stated): gnomAD exomes below 0.00001.
gnomAD v4.1: 1 of 1,606,472 alleles (0.000062%); highest among the groups gnomAD compares: East Asian, 0.0022%; no homozygotes.

Submissions (3):

Molecular Diagnostics Laboratory, Catalan Institute of Oncology
Classification: Uncertain significance for Hereditary cancer-predisposing syndrome. Last evaluated: 2024-10-23. Review status: criteria provided, single submitter. Criteria: ClinGen ACMG Specifications ATM V1.1.0. Collection method: clinical testing. Allele origin: germline.
Comment: PM2_Supporting, BP4 c.6349A>G, located in exon 44 of the ATM gene, is predicted to result in the substitution of Lys by Glu at codon 2117, p.(Lys2117Glu). It is not present in the population database gnomAD v2.1.1, non cancer dataset (PM2_supporting). The SpliceAI algorithm predicts no significant impact on splicing and the REVEL meta-predictor score for this variant (0.088) suggests that it does not affect the protein function (BP4). To our knowledge, neither relevant clinical data (like carriers with ataxia telangiectasia) nor well-stablished functional studies have been reported for this variant. At present ClinVar does not describe pathogenic missense variants in this codon. In addition, this variant has been reported in the ClinVar database (1x uncertain significance) but not in the LOVD database. Based on currently available information, the variant c.6349A>G should be considered an uncertain significance variant.

Department of Pathology and Laboratory Medicine, Sinai Health System
Classification: Uncertain significance for ATM-related cancer predisposition. Last evaluated: 2023-09-26. Review status: criteria provided, single submitter. Criteria: ACMG Guidelines, 2015. Collection method: clinical testing. Allele origin: germline. Affected: no.

Labcorp Genetics (formerly Invitae), Labcorp
Classification: Uncertain significance for Ataxia-telangiectasia syndrome. Last evaluated: 2022-09-27. Review status: criteria provided, single submitter. Criteria: Invitae Variant Classification Sherloc (09022015). Collection method: clinical testing. Allele origin: germline.
Comment: This variant has not been reported in the literature in individuals affected with ATM-related conditions. Algorithms developed to predict the effect of missense changes on protein structure and function (SIFT, PolyPhen-2, Align-GVGD) all suggest that this variant is likely to be tolerated. In summary, the available evidence is currently insufficient to determine the role of this variant in disease. Therefore, it has been classified as a Variant of Uncertain Significance. This variant is not present in population databases (gnomAD no frequency). This sequence change replaces lysine, which is basic and polar, with glutamic acid, which is acidic and polar, at codon 2117 of the ATM protein (p.Lys2117Glu).

NM_000051.4(ATM):c.6349A>G (p.Lys2117Glu)

Genes: ATM (ATM serine/threonine kinase; plus strand), C11orf65 (chromosome 11 open reading frame 65; minus strand). Cytogenetic location: 11q22.3.
Variant type: single nucleotide variant.
Coding change: c.6349A>G on transcript NM_000051.4 (MANE Select); coding-DNA position 6349, A replaced by G.
Protein change: p.Lys2117Glu; replaces lysine 2117 with glutamic acid.
Molecular consequence: missense variant. On other transcripts: intron variant (2).
Genome position (GRCh38, 1-based): chr11:108,319,955, A>G. VCF-style: chr11-108319955-A-G. GRCh37 (hg19) VCF-style: chr11-108190682-A-G.
Other names: c.6349A>G, p.Lys2117Glu (NM_001351834.2); c.641-10884T>C (NM_001330368.2); c.*39-10884T>C (NM_001351110.2); short protein forms K2117E.
Identifiers: ClinVar variation 2416200 (VCV002416200.44), dbSNP rs2136218502, ClinGen allele CA382553129.